The following is an entry in ClinVar:

ClinVar aggregate classification (germline): Pathogenic (1 of 4 stars; one submission).

Conditions:
Developmental and epileptic encephalopathy, 2 (DEE2). Also called: INFANTILE SPASM SYNDROME, X-LINKED 2; CDKL5 deficiency disorder. Identifiers: Orphanet 1934, Orphanet 3451, Orphanet 505652, MedGen C4750718, MONDO:0010396, OMIM 300672.
Angelman syndrome-like. Identifiers: MedGen CN128785.

Submission:

Labcorp Genetics (formerly Invitae), Labcorp
Classification: Pathogenic for Developmental and epileptic encephalopathy, 2; Angelman syndrome-like. Last evaluated: 2017-10-18. Review status: criteria provided, single submitter. Criteria: Invitae Variant Classification Sherloc (09022015). Collection method: clinical testing. Allele origin: germline.
Comment: This sequence change creates a premature translational stop signal (p.Glu170*) in the CDKL5 gene. It is expected to result in an absent or disrupted protein product. This variant is not present in population databases (ExAC no frequency). For these reasons, this variant has been classified as Pathogenic. Loss-of-function variants in CDKL5 are known to be pathogenic (PMID: 22872100). This variant has not been reported in the literature in individuals with CDKL5-related disease.

Literature cited by the submitters: PubMed 22872100.

NM_001323289.2(CDKL5):c.508G>T (p.Glu170Ter)

Gene: CDKL5 (cyclin dependent kinase like 5; plus strand). Cytogenetic location: Xp22.13.
Variant type: single nucleotide variant.
Coding change: c.508G>T on transcript NM_001323289.2 (MANE Select); coding-DNA position 508, G replaced by T.
Protein change: p.Glu170Ter; replaces glutamic acid 170 with a stop codon.
Molecular consequence: nonsense.
Genome position (GRCh38, 1-based): chrX:18,584,307, G>T. VCF-style: chrX-18584307-G-T. GRCh37 (hg19) VCF-style: chrX-18602427-G-T.
Other names: c.508G>T, p.Glu170Ter (NM_001037343.2, NM_003159.3); short protein forms E170*.
Identifiers: ClinVar variation 533384 (VCV000533384.7), dbSNP rs1555950066, ClinGen allele CA412352360.